The following is an entry in ClinVar:

NM_006005.3(WFS1):c.1705_1706delinsAG (p.Ala569Ser)

Gene: WFS1 (wolframin ER transmembrane glycoprotein; plus strand). Cytogenetic location: 4p16.1.
Variant type: Indel.
Coding change: c.1705_1706delinsAG on transcript NM_006005.3 (MANE Select); coding-DNA positions 1705 to 1706, GC replaced by AG.
Protein change: p.Ala569Ser; replaces alanine 569 with serine.
Molecular consequence: missense variant.
Genome position (GRCh38, 1-based): chr4:6,301,500-6,301,501, GC replaced by AG. VCF-style: chr4-6301500-GC-AG. GRCh37 (hg19) VCF-style: chr4-6303227-GC-AG.
Other names: c.1705_1706delinsAG, p.Ala569Ser (NM_001145853.1); short protein forms A569S.
Identifiers: ClinVar variation 2734644 (VCV002734644.3), dbSNP rs2474194618, ClinGen allele CA2586973633.

ClinVar aggregate classification (germline): Uncertain significance (1 of 4 stars; one submission).

Submission:

Labcorp Genetics (formerly Invitae), Labcorp
Classification: Uncertain significance. Last evaluated: 2024-06-02. Review status: criteria provided, single submitter. Criteria: Invitae Variant Classification Sherloc (09022015). Collection method: clinical testing. Allele origin: germline.
Comment: This sequence change replaces alanine, which is neutral and non-polar, with serine, which is neutral and polar, at codon 569 of the WFS1 protein (p.Ala569Ser). Information on the frequency of this variant in the gnomAD database is not available, as this variant may be reported differently in the database. This variant has not been reported in the literature in individuals affected with WFS1-related conditions. An algorithm developed to predict the effect of missense changes on protein structure and function (PolyPhen-2) suggests that this variant is likely to be tolerated. In summary, the available evidence is currently insufficient to determine the role of this variant in disease. Therefore, it has been classified as a Variant of Uncertain Significance.